The following is an entry in ClinVar:

ClinVar aggregate classification (germline): Uncertain significance. Review status: criteria provided, multiple submitters, no conflicts (2 of 4 stars). 2 submissions from 2 submitters: Uncertain significance (2). Last evaluated 2025-05-15.

Conditions:
Hereditary sensory neuropathy-deafness-dementia syndrome. Also called: HSN IE; NEUROPATHY, HEREDITARY SENSORY, WITH HEARING LOSS AND DEMENTIA; Hereditary Sensory and Autonomic Neuropathy Type 1E (HSAN1E); Hereditary sensory neuropathy type IE. Identifiers: Orphanet 456318, MedGen C3279885, MONDO:0013584, OMIM 614116.

Submissions (2):

Labcorp Genetics (formerly Invitae), Labcorp
Classification: Uncertain significance for Hereditary sensory neuropathy-deafness-dementia syndrome. Last evaluated: 2025-05-15. Review status: criteria provided, single submitter. Criteria: Invitae Variant Classification Sherloc (09022015). Collection method: clinical testing. Allele origin: germline.
Comment: This sequence change replaces isoleucine, which is neutral and non-polar, with valine, which is neutral and non-polar, at codon 1458 of the DNMT1 protein (p.Ile1458Val). This variant is not present in population databases (gnomAD no frequency). This variant has not been reported in the literature in individuals affected with DNMT1-related conditions. ClinVar contains an entry for this variant (Variation ID: 808440). Invitae Evidence Modeling of protein sequence and biophysical properties (such as structural, functional, and spatial information, amino acid conservation, physicochemical variation, residue mobility, and thermodynamic stability) indicates that this missense variant is not expected to disrupt DNMT1 protein function with a negative predictive value of 80%. In summary, the available evidence is currently insufficient to determine the role of this variant in disease. Therefore, it has been classified as a Variant of Uncertain Significance.

CeGaT Center for Human Genetics Tuebingen
Classification: Uncertain significance. Last evaluated: 2016-10-01. Review status: criteria provided, single submitter. Criteria: CeGaT Center For Human Genetics Tuebingen Variant Classification Criteria Version 2. Collection method: clinical testing. Allele origin: germline. Affected: yes. Observed: 1 variant allele.

NM_001130823.3(DNMT1):c.4372A>G (p.Ile1458Val)

Gene: DNMT1 (DNA methyltransferase 1; minus strand). Cytogenetic location: 19p13.2.
Variant type: single nucleotide variant.
Coding change: c.4372A>G on transcript NM_001130823.3 (MANE Select); coding-DNA position 4372, A replaced by G.
Protein change: p.Ile1458Val; replaces isoleucine 1458 with valine.
Molecular consequence: missense variant.
Genome position (GRCh38, 1-based): chr19:10,137,202, T>C on the plus strand (A>G on the coding strand, the complement: DNMT1 is on the minus strand). VCF-style: chr19-10137202-T-C. GRCh37 (hg19) VCF-style: chr19-10247878-T-C.
Other names: c.4324A>G, p.Ile1442Val (NM_001318730.2, NM_001379.4); c.4009A>G, p.Ile1337Val (NM_001318731.2); short protein forms I1337V, I1442V, I1458V.
Identifiers: ClinVar variation 808440 (VCV000808440.48), dbSNP rs1599341541, ClinGen allele CA403969637.